The following is an entry in ClinVar:

ClinVar aggregate classification (germline): Uncertain significance. Review status: criteria provided, multiple submitters, no conflicts (2 of 4 stars). 2 submissions from 2 submitters: Uncertain significance (2). Last evaluated 2024-08-22.

Conditions:
Familial adenomatous polyposis 2. Also called: FAP type 2; MUTYH-associated polyposis; MUTYH-related attenuated familial adenomatous polyposis; MUTYH Polyposis; Adenomas, multiple colorectal; COLORECTAL ADENOMATOUS POLYPOSIS, AUTOSOMAL RECESSIVE. Identifiers: Orphanet 220460, Orphanet 247798, MedGen C3272841, MONDO:0012041, OMIM 608456.
Hereditary cancer-predisposing syndrome. Also called: Tumor predisposition; Hereditary Cancer Syndrome; Hereditary neoplastic syndrome; Neoplastic Syndromes, Hereditary. Identifiers: Orphanet 140162, MedGen C0027672, MeSH D009386, MONDO:0015356.

Submissions (2):

Ambry Genetics
Classification: Uncertain significance for Hereditary cancer-predisposing syndrome. Last evaluated: 2024-08-22. Review status: criteria provided, single submitter. Criteria: Ambry Variant Classification Scheme 2023. Collection method: clinical testing. Allele origin: germline.
Comment: The c.-3G>C variant is located in the 5' untranslated region (5&rsquo; UTR) of the MUTYH gene. This variant results from a G to C substitution 3 bases upstream from the first translated codon. This nucleotide position is highly conserved in available vertebrate species. Based on the available evidence, the clinical significance of this variant remains unclear.

All of Us Research Program, National Institutes of Health
Classification: Uncertain significance for Familial adenomatous polyposis 2. Last evaluated: 2023-08-15. Review status: criteria provided, single submitter. Criteria: ACMG Guidelines, 2015. Collection method: clinical testing. Allele origin: germline. Inheritance: Autosomal recessive inheritance. Observed: 2 variant alleles, 2 heterozygotes.
Comment: This variant causes a G to C nucleotide substitution at the -3 position in the 5' untranslated region of the MUTYH gene. To our knowledge, functional studies have not been reported for this variant. This variant has not been reported in individuals affected with MUTYH-related disorders in the literature. This variant has not been identified in the general population by the Genome Aggregation Database (gnomAD). The available evidence is insufficient to determine the role of this variant in disease conclusively. Therefore, this variant is classified as a Variant of Uncertain Significance.

This study involves interpretation of variants in research participants for the purpose of population health screening. Participant phenotype was not available at the time of variant classification. Additional details can be found in publication PMID: 35346344, PMCID: PMC8962531

NM_001128425.2(MUTYH):c.-3G>C

Genes: MUTYH (mutY DNA glycosylase; minus strand), TOE1 (target of EGR1, exonuclease; plus strand). Cytogenetic location: 1p34.1.
Variant type: single nucleotide variant.
Coding change: c.-3G>C on transcript NM_001128425.2 (MANE Plus Clinical); 3 bases upstream of the start codon, G replaced by C.
Molecular consequence: 5 prime UTR variant. On other transcripts: non-coding transcript variant (3), missense variant (1).
Genome position (GRCh38, 1-based): chr1:45,340,257, C>G on the plus strand (G>C on the coding strand, the complement: MUTYH is on the minus strand). VCF-style: chr1-45340257-C-G. GRCh37 (hg19) VCF-style: chr1-45805929-C-G.
Other names: c.-3G>C (NM_001407069.1, NM_001407073.1, NM_012222.3 and 1 more transcripts); c.-61G>C (NM_001407070.1, NM_001407071.1); c.-41G>C (NM_001407072.1); c.5C>G, p.Ala2Gly (NM_025077.4); c.-45G>C (NM_001048171.2); c.-257G>C (NM_001293192.2); c.-316G>C (NM_001350650.2); c.-252G>C (NM_001350651.2); short protein forms A2G.
Identifiers: ClinVar variation 3072052 (VCV003072052.2), dbSNP rs748689064, ClinGen allele CA340137942.